The following is an entry in ClinVar:

ClinVar aggregate classification (germline): Uncertain significance (1 of 4 stars; one submission).

Allele frequency attached by ClinVar (database versions not stated): ExAC 0.00001; gnomAD exomes 0.00002; TOPMed 0.00003; gnomAD 0.00005; 1000 Genomes Project 30x 0.00016; 1000 Genomes Project 0.00020.
gnomAD v4.1: 28 of 1,610,430 alleles (0.0017%); highest among the groups gnomAD compares: East Asian, 0.011%; no homozygotes.

Submission:

Labcorp Genetics (formerly Invitae), Labcorp
Classification: Uncertain significance. Last evaluated: 2024-05-31. Review status: criteria provided, single submitter. Criteria: Invitae Variant Classification Sherloc (09022015). Collection method: clinical testing. Allele origin: germline.
Comment: This sequence change replaces proline, which is neutral and non-polar, with leucine, which is neutral and non-polar, at codon 180 of the FUK protein (p.Pro180Leu). The frequency data for this variant in the population databases is considered unreliable, as metrics indicate poor data quality at this position in the gnomAD database. This variant has not been reported in the literature in individuals affected with FUK-related conditions. ClinVar contains an entry for this variant (Variation ID: 1901343). Algorithms developed to predict the effect of missense changes on protein structure and function output the following: SIFT: "Not Available"; PolyPhen-2: "Benign"; Align-GVGD: "Not Available". The leucine amino acid residue is found in multiple mammalian species, which suggests that this missense change does not adversely affect protein function. In summary, the available evidence is currently insufficient to determine the role of this variant in disease. Therefore, it has been classified as a Variant of Uncertain Significance.

NM_145059.3(FCSK):c.539C>T (p.Pro180Leu)

Gene: FCSK (fucose kinase; plus strand). Cytogenetic location: 16q22.1.
Variant type: single nucleotide variant.
Coding change: c.539C>T on transcript NM_145059.3 (MANE Select); coding-DNA position 539, C replaced by T.
Protein change: p.Pro180Leu; replaces proline 180 with leucine.
Molecular consequence: missense variant.
Genome position (GRCh38, 1-based): chr16:70,467,428, C>T. VCF-style: chr16-70467428-C-T. GRCh37 (hg19) VCF-style: chr16-70501331-C-T.
Other names: short protein forms P180L.
Identifiers: ClinVar variation 1901343 (VCV001901343.5), dbSNP rs546740302, ClinGen allele CA8142975.